The following is an entry in ClinVar:

NM_006563.5(KLF1):c.652C>G (p.Leu218Val)

Gene: KLF1 (KLF transcription factor 1; minus strand). Cytogenetic location: 19p13.13.
Variant type: single nucleotide variant.
Coding change: c.652C>G on transcript NM_006563.5 (MANE Select); coding-DNA position 652, C replaced by G.
Protein change: p.Leu218Val; replaces leucine 218 with valine.
Molecular consequence: missense variant.
Genome position (GRCh38, 1-based): chr19:12,885,578, G>C on the plus strand (C>G on the coding strand, the complement: KLF1 is on the minus strand). VCF-style: chr19-12885578-G-C. GRCh37 (hg19) VCF-style: chr19-12996392-G-C.
Other names: short protein forms L218V.
Identifiers: ClinVar variation 1944677 (VCV001944677.5), dbSNP rs1970432484, ClinGen allele CA404308270.
Genomic context (GRCh38, chr19:12,885,578, plus strand): 5'-AACTCAGGAAGGAGGGGGACGTGGCGGGACCGGGCGCGGGTCCCTGGAGCCCGCGGAAGA[G>C]CTGGAAGTGCCCTTGGTACTGAGGCGCCGGGTACATCGCGGGGTACCCGGACAGTAGCCC-3'
Protein context (NP_006554.1, residues 208-228): PAPQYQGHFQ[Leu218Val]FRGLQGPAPG

ClinVar aggregate classification (germline): Uncertain significance (1 of 4 stars; one submission).

Allele frequency attached by ClinVar (database versions not stated): TOPMed below 0.00001.

Submission:

Labcorp Genetics (formerly Invitae), Labcorp
Classification: Uncertain significance. Last evaluated: 2022-08-21. Review status: criteria provided, single submitter. Criteria: Invitae Variant Classification Sherloc (09022015). Collection method: clinical testing. Allele origin: germline.
Comment: This variant is not present in population databases (gnomAD no frequency). In summary, the available evidence is currently insufficient to determine the role of this variant in disease. Therefore, it has been classified as a Variant of Uncertain Significance. Algorithms developed to predict the effect of missense changes on protein structure and function output the following: SIFT: "Not Available"; PolyPhen-2: "Benign"; Align-GVGD: "Not Available". The valine amino acid residue is found in multiple mammalian species, which suggests that this missense change does not adversely affect protein function. This variant has not been reported in the literature in individuals affected with KLF1-related conditions. This sequence change replaces leucine, which is neutral and non-polar, with valine, which is neutral and non-polar, at codon 218 of the KLF1 protein (p.Leu218Val).